The following is an entry in ClinVar:

NM_004855.5(PIGB):c.1527C>T (p.Ser509=)

Genes: CCPG1 (cell cycle progression 1; minus strand), DNAAF4-CCPG1 (DNAAF4-CCPG1 readthrough (NMD candidate); minus strand), PIGB (phosphatidylinositol glycan anchor biosynthesis class B; plus strand). Cytogenetic location: 15q21.3.
Variant type: single nucleotide variant.
Coding change: c.1527C>T on transcript NM_004855.5 (MANE Select); coding-DNA position 1527, C replaced by T.
Protein change: p.Ser509=; no amino-acid change (serine 509 retained).
Molecular consequence: synonymous variant. On other transcripts: non-coding transcript variant (1), 3 prime UTR variant (4).
Genome position (GRCh38, 1-based): chr15:55,355,294, C>T. VCF-style: chr15-55355294-C-T. GRCh37 (hg19) VCF-style: chr15-55647492-C-T.
Other names: c.*926G>A (NM_001204450.2, NM_001204451.2); c.*4205G>A (NM_004748.6, NM_020739.5).
Identifiers: ClinVar variation 1577109 (VCV001577109.11), dbSNP rs8043415, ClinGen allele CA7574123.

ClinVar aggregate classification (germline): Benign. Review status: criteria provided, multiple submitters, no conflicts (2 of 4 stars). 3 submissions from 3 submitters: Benign (2). 1 of the submissions does not count toward it. Last evaluated 2026-02-03.

Conditions:
PIGB-related disorder. Also called: PIGB-related condition.

Allele frequency attached by ClinVar (database versions not stated): ESP Exome Variant Server 0.11337; 1000 Genomes Project 30x 0.10103; gnomAD exomes 0.07421 and 0.07581; gnomAD 0.10791 and 0.11038; ExAC 0.08151; 1000 Genomes Project 0.09744; TOPMed 0.11016.
gnomAD v4.1: 124,278 of 1,601,842 alleles (7.8%); highest among the groups gnomAD compares: African/African-American, 21%; 5,992 homozygotes.

Submissions (3):

Labcorp Genetics (formerly Invitae), Labcorp
Classification: Benign. Last evaluated: 2026-02-03. Review status: criteria provided, single submitter. Criteria: Invitae Variant Classification Sherloc (09022015). Collection method: clinical testing. Allele origin: germline.

Breakthrough Genomics
Classification: Benign. Review status: criteria provided, single submitter. Criteria: ACMG Guidelines, 2015. Collection method: not provided. Allele origin: germline. Inheritance: Autosomal recessive inheritance. Affected: yes.

PreventionGenetics, part of Exact Sciences
Classification: Benign for PIGB-related condition. Last evaluated: 2019-11-20. Review status: no assertion criteria provided. Collection method: clinical testing. Allele origin: germline. Not counted in ClinVar's aggregate classification.
Comment: This variant is classified as benign based on ACMG/AMP sequence variant interpretation guidelines (Richards et al. 2015 PMID: 25741868, with internal and published modifications).